The following is an entry in ClinVar:

NM_005413.4(SIX3):c.112G>A (p.Ala38Thr)

Gene: SIX3 (SIX homeobox 3; plus strand). Cytogenetic location: 2p21.
Variant type: single nucleotide variant.
Coding change: c.112G>A on transcript NM_005413.4 (MANE Select); coding-DNA position 112, G replaced by A.
Protein change: p.Ala38Thr; replaces alanine 38 with threonine.
Molecular consequence: missense variant.
Genome position (GRCh38, 1-based): chr2:44,942,216, G>A. VCF-style: chr2-44942216-G-A. GRCh37 (hg19) VCF-style: chr2-45169355-G-A.
Other names: short protein forms A38T.
Identifiers: ClinVar variation 1315869 (VCV001315869.2), dbSNP rs2103641107, ClinGen allele CA346798902.

ClinVar aggregate classification (germline): Uncertain significance (1 of 4 stars; one submission).

Submission:

GeneDx
Classification: Uncertain significance. Last evaluated: 2020-07-01. Review status: criteria provided, single submitter. Criteria: GeneDx Variant Classification Process June 2021. Collection method: clinical testing. Allele origin: germline. Affected: yes.
Comment: Not observed in large population cohorts (Lek et al., 2016); In silico analysis supports that this missense variant does not alter protein structure/function; Has not been previously published as pathogenic or benign to our knowledge